The following is an entry in ClinVar:

NM_016038.4(SBDS):c.410T>C (p.Met137Thr)

Gene: SBDS (SBDS ribosome maturation factor; minus strand). Cytogenetic location: 7q11.21.
Variant type: single nucleotide variant.
Coding change: c.410T>C on transcript NM_016038.4 (MANE Select); coding-DNA position 410, T replaced by C.
Protein change: p.Met137Thr; replaces methionine 137 with threonine.
Molecular consequence: missense variant.
Genome position (GRCh38, 1-based): chr7:66,993,266, A>G on the plus strand (T>C on the coding strand, the complement: SBDS is on the minus strand). VCF-style: chr7-66993266-A-G. GRCh37 (hg19) VCF-style: chr7-66458253-A-G.
Other names: NM_016038.4:c.410T>C; short protein forms M137T.
Identifiers: ClinVar variation 3776898 (VCV003776898.1).

ClinVar aggregate classification (germline): Uncertain significance (1 of 4 stars; one submission).

Conditions:
Shwachman-Diamond syndrome 1 (SDS1). Also called: LIPOMATOSIS OF PANCREAS, CONGENITAL. Identifiers: MedGen C4692625, MONDO:0044204, OMIM 260400.

Submission:

Broad Center for Mendelian Genomics, Broad Institute of MIT and Harvard
Classification: Uncertain significance for Shwachman-Diamond syndrome 1. Last evaluated: 2025-02-07. Review status: criteria provided, single submitter. Criteria: ACMG Guidelines, 2015. Collection method: curation. Allele origin: germline. Inheritance: Autosomal recessive inheritance.
Comment: The p.Met137Thr variant in SBDS has been reported, in the compound heterozygous state, in 1 individual with Shwachman-Diamond syndrome (DOI: 10.15406/jig.2014.01.00008), and has been identified in 0.002% (2/113768) of European non-Finnish chromosomes by the Genome Aggregation Database (gnomAD; dbSNP rs772881643). Although this variant has been seen in the general population in a heterozygous state, its frequency is low enough to be consistent with a recessive carrier frequency. The presence of a known pseudogene, SBDSP1, can impact the reliability of allele frequencies. Computational prediction tools and conservation analyses suggest that this variant may impact the protein, though this information is not predictive enough to determine pathogenicity. In summary, the clinical significance of the p.Met137Thr variant is uncertain. ACMG/AMP Criteria applied: PP3_moderate, PM2_supporting, PM3_supporting (Richards 2015).